The following is an entry in ClinVar:

ClinVar aggregate classification (germline): Uncertain significance (1 of 4 stars; one submission).

Submission:

GeneDx
Classification: Uncertain significance. Last evaluated: 2024-02-02. Review status: criteria provided, single submitter. Criteria: GeneDx Variant Classification Process June 2021. Collection method: clinical testing. Allele origin: germline. Affected: yes.
Comment: Not observed at significant frequency in large population cohorts (gnomAD); In silico analysis supports that this missense variant has a deleterious effect on protein structure/function; Has not been previously published as pathogenic or benign to our knowledge

NM_022726.4(ELOVL4):c.494T>C (p.Met165Thr)

Gene: ELOVL4 (ELOVL fatty acid elongase 4; minus strand). Cytogenetic location: 6q14.1.
Variant type: single nucleotide variant.
Coding change: c.494T>C on transcript NM_022726.4 (MANE Select); coding-DNA position 494, T replaced by C.
Protein change: p.Met165Thr; replaces methionine 165 with threonine.
Molecular consequence: missense variant.
Genome position (GRCh38, 1-based): chr6:79,921,672, A>G on the plus strand (T>C on the coding strand, the complement: ELOVL4 is on the minus strand). VCF-style: chr6-79921672-A-G. GRCh37 (hg19) VCF-style: chr6-80631389-A-G.
Other names: short protein forms M165T.
Identifiers: ClinVar variation 3368768 (VCV003368768.1).